The following is an entry in ClinVar:

ClinVar aggregate classification (germline): Uncertain significance (1 of 4 stars; one submission).

Allele frequency attached by ClinVar (database versions not stated): gnomAD exomes below 0.00001; TOPMed below 0.00001.
gnomAD v4.1: 1 of 1,578,844 alleles (0.000063%); highest among the groups gnomAD compares: Non-Finnish European, 0.000086%; no homozygotes.

Submission:

CeGaT Center for Human Genetics Tuebingen
Classification: Uncertain significance. Last evaluated: 2023-11-01. Review status: criteria provided, single submitter. Criteria: CeGaT Center For Human Genetics Tuebingen Variant Classification Criteria Version 2. Collection method: clinical testing. Allele origin: germline. Affected: yes. Observed: 1 variant allele.
Comment: KMT2B: PM2, BP4

NM_014727.3(KMT2B):c.3334+7A>G

Gene: KMT2B (lysine methyltransferase 2B; plus strand). Cytogenetic location: 19q13.12.
Variant type: single nucleotide variant.
Coding change: c.3334+7A>G on transcript NM_014727.3 (MANE Select); 7 bases into the intron after coding-DNA position 3334, A replaced by G.
Molecular consequence: intron variant.
Genome position (GRCh38, 1-based): chr19:35,724,014, A>G. VCF-style: chr19-35724014-A-G. GRCh37 (hg19) VCF-style: chr19-36214915-A-G.
Identifiers: ClinVar variation 2672755 (VCV002672755.23), dbSNP rs1368098057, ClinGen allele CA881808557.